The following is an entry in ClinVar:

NM_005068.3(SIM1):c.1654G>A (p.Glu552Lys)

Gene: SIM1 (SIM bHLH transcription factor 1; minus strand). Cytogenetic location: 6q16.3.
Variant type: single nucleotide variant.
Coding change: c.1654G>A on transcript NM_005068.3 (MANE Select); coding-DNA position 1654, G replaced by A.
Protein change: p.Glu552Lys; replaces glutamic acid 552 with lysine.
Molecular consequence: missense variant.
Genome position (GRCh38, 1-based): chr6:100,391,008, C>T on the plus strand (G>A on the coding strand, the complement: SIM1 is on the minus strand). VCF-style: chr6-100391008-C-T. GRCh37 (hg19) VCF-style: chr6-100838884-C-T.
Other names: c.1654G>A, p.Glu552Lys (NM_001374769.1); short protein forms E552K.
Identifiers: ClinVar variation 1702709 (VCV001702709.5), dbSNP rs1166961252, ClinGen allele CA365298627.

ClinVar aggregate classification (germline): Uncertain significance. Review status: criteria provided, multiple submitters, no conflicts (2 of 4 stars). 2 submissions from 2 submitters: Uncertain significance (2). Last evaluated 2022-02-17.

Conditions:
Inborn genetic diseases. Identifiers: MedGen C0950123, MeSH D030342.

Allele frequency attached by ClinVar (database versions not stated): gnomAD exomes below 0.00001; gnomAD 0.00001; TOPMed 0.00001.
gnomAD v4.1: 4 of 1,613,974 alleles (0.00025%); highest among the groups gnomAD compares: Non-Finnish European, 0.00034%; no homozygotes.

Submissions (2):

GeneDx
Classification: Uncertain significance. Last evaluated: 2022-02-17. Review status: criteria provided, single submitter. Criteria: GeneDx Variant Classification Process June 2021. Collection method: clinical testing. Allele origin: germline. Affected: yes.
Comment: Not observed at significant frequency in large population cohorts (gnomAD); In silico analysis supports that this missense variant does not alter protein structure/function; Has not been previously published as pathogenic or benign to our knowledge

Ambry Genetics
Classification: Uncertain significance for Inborn genetic diseases. Last evaluated: 2021-01-26. Review status: criteria provided, single submitter. Criteria: Ambry Variant Classification Scheme 2023. Collection method: clinical testing. Allele origin: germline.
Comment: The c.1654G>A (p.E552K) alteration is located in exon 11 (coding exon 11) of the SIM1 gene. This alteration results from a G to A substitution at nucleotide position 1654, causing the glutamic acid (E) at amino acid position 552 to be replaced by a lysine (K). The p.E552K alteration is predicted to be tolerated by in silico analysis. Based on insufficient or conflicting evidence, the clinical significance of this alteration remains unclear.